The following is an entry in ClinVar:

ClinVar aggregate classification (germline): Uncertain significance (1 of 4 stars; one submission).

Conditions:
Hereditary cancer-predisposing syndrome. Also called: Tumor predisposition; Hereditary Cancer Syndrome; Hereditary neoplastic syndrome; Neoplastic Syndromes, Hereditary. Identifiers: Orphanet 140162, MedGen C0027672, MeSH D009386, MONDO:0015356.

gnomAD v4.1: 1 of 1,613,754 alleles (0.000062%); highest among the groups gnomAD compares: Non-Finnish European, 0.000085%; no homozygotes.

Submission:

Labcorp Genetics (formerly Invitae), Labcorp
Classification: Uncertain significance for Hereditary cancer-predisposing syndrome. Last evaluated: 2023-04-17. Review status: criteria provided, single submitter. Criteria: Invitae Variant Classification Sherloc (09022015). Collection method: clinical testing. Allele origin: germline.
Comment: This sequence change falls in intron 21 of the RAD50 gene. It does not directly change the encoded amino acid sequence of the RAD50 protein. It affects a nucleotide within the consensus splice site. This variant is not present in population databases (gnomAD no frequency). This variant has not been reported in the literature in individuals affected with RAD50-related conditions. ClinVar contains an entry for this variant (Variation ID: 1969521). Variants that disrupt the consensus splice site are a relatively common cause of aberrant splicing (PMID: 17576681, 9536098). Algorithms developed to predict the effect of sequence changes on RNA splicing suggest that this variant may disrupt the consensus splice site. In summary, the available evidence is currently insufficient to determine the role of this variant in disease. Therefore, it has been classified as a Variant of Uncertain Significance.

Literature cited by the submitters: PubMed 17576681; PubMed 9536098.

NM_005732.4(RAD50):c.3389+5G>C

Gene: RAD50 (RAD50 double strand break repair protein; plus strand). Cytogenetic location: 5q31.1.
Variant type: single nucleotide variant.
Coding change: c.3389+5G>C on transcript NM_005732.4 (MANE Select); 5 bases into the intron after coding-DNA position 3389, G replaced by C.
Molecular consequence: intron variant.
Genome position (GRCh38, 1-based): chr5:132,618,299, G>C. VCF-style: chr5-132618299-G-C. GRCh37 (hg19) VCF-style: chr5-131953991-G-C.
Identifiers: ClinVar variation 1969521 (VCV001969521.5), dbSNP rs786202582, ClinGen allele CA2580072805.